The following is an entry in ClinVar:

NM_001267550.2(TTN):c.90181G>A (p.Val30061Ile)

Genes: TTN (titin; minus strand), TTN-AS1 (TTN antisense RNA 1; plus strand). Cytogenetic location: 2q31.2.
Variant type: single nucleotide variant.
Coding change: c.90181G>A on transcript NM_001267550.2 (MANE Select); coding-DNA position 90181, G replaced by A.
Protein change: p.Val30061Ile; replaces valine 30061 with isoleucine.
Molecular consequence: missense variant.
Genome position (GRCh38, 1-based): chr2:178,552,719, C>T on the plus strand (G>A on the coding strand, the complement: TTN is on the minus strand). VCF-style: chr2-178552719-C-T. GRCh37 (hg19) VCF-style: chr2-179417446-C-T.
Other names: p.V28420I:GTC>ATC; c.85258G>A, p.Val28420Ile (NM_001256850.1); c.62986G>A, p.Val20996Ile (NM_003319.4); c.82477G>A, p.Val27493Ile (NM_133378.4); c.63361G>A, p.Val21121Ile (NM_133432.3); c.63562G>A, p.Val21188Ile (NM_133437.4); short protein forms V28420I, V30061I, V21121I, V20996I, V21188I, V27493I.
Identifiers: ClinVar variation 202964 (VCV000202964.14), dbSNP rs138958733, ClinGen allele CA310828.

ClinVar aggregate classification (germline): Conflicting classifications of pathogenicity. Review status: criteria provided, conflicting classifications (1 of 4 stars). 6 submissions from 6 submitters: Uncertain significance (2); Likely benign (4). Last evaluated 2026-03-04.

Conditions:
TTN-related disorder. Also called: TTN-related condition; TTN-related disease; TTN-related disorders.
Cardiovascular phenotype. Identifiers: MedGen CN230736.

Allele frequency attached by ClinVar (database versions not stated): gnomAD exomes 0.00002 and 0.00004; ExAC 0.00005; ESP Exome Variant Server 0.00008; gnomAD 0.00011; TOPMed 0.00011; 1000 Genomes Project 30x 0.00016; 1000 Genomes Project 0.00020.
gnomAD v4.1: 43 of 1,613,914 alleles (0.0027%); highest among the groups gnomAD compares: African/African-American, 0.033%; no homozygotes.

Submissions (6):

PreventionGenetics, part of Exact Sciences
Classification: Uncertain significance for TTN-related condition. Last evaluated: 2026-03-04. Review status: criteria provided, single submitter. Criteria: ACMG Guidelines, 2015. Collection method: clinical testing. Allele origin: germline.
Comment: The TTN c.90181G>A variant is predicted to result in the amino acid substitution p.Val30061Ile. To our knowledge, this variant has not been reported in the literature. This variant is reported in 0.045% of alleles in individuals of African descent in gnomAD. At this time, the clinical significance of this variant is uncertain due to the absence of conclusive functional and genetic evidence.

Blueprint Genetics
Classification: Likely benign. Last evaluated: 2024-11-05. Review status: criteria provided, single submitter. Criteria: ACMG Guidelines, 2015. Collection method: clinical testing. Allele origin: germline.

Revvity Omics, Revvity
Classification: Uncertain significance. Last evaluated: 2024-07-14. Review status: criteria provided, single submitter. Criteria: ACMG Guidelines, 2015. Collection method: clinical testing. Allele origin: germline.

Athena Diagnostics
Classification: Likely benign. Last evaluated: 2022-12-16. Review status: criteria provided, single submitter. Criteria: Athena Diagnostics Criteria. Collection method: clinical testing. Allele origin: unknown.

Ambry Genetics
Classification: Likely benign for Cardiovascular phenotype. Last evaluated: 2019-11-14. Review status: criteria provided, single submitter. Criteria: Ambry Variant Classification Scheme 2023. Collection method: clinical testing. Allele origin: germline.

GeneDx
Classification: Likely benign. Last evaluated: 2019-09-09. Review status: criteria provided, single submitter. Criteria: GeneDx Variant Classification Process June 2021. Collection method: clinical testing. Allele origin: germline. Affected: yes.